The following is an entry in ClinVar:

ClinVar aggregate classification (germline): Uncertain significance (1 of 4 stars; one submission).

Conditions:
Spastic paraplegia. Identifiers: MedGen C0037772, HP:0001258.

Allele frequency attached by ClinVar (database versions not stated): gnomAD exomes below 0.00001; ExAC 0.00001.
gnomAD v4.1: 2 of 1,614,168 alleles (0.00012%); highest among the groups gnomAD compares: Non-Finnish European, 0.00017%; no homozygotes.

Submission:

Labcorp Genetics (formerly Invitae), Labcorp
Classification: Uncertain significance for Spastic paraplegia. Last evaluated: 2021-03-22. Review status: criteria provided, single submitter. Criteria: Invitae Variant Classification Sherloc (09022015). Collection method: clinical testing. Allele origin: germline.
Comment: In summary, the available evidence is currently insufficient to determine the role of this variant in disease. Therefore, it has been classified as a Variant of Uncertain Significance. Algorithms developed to predict the effect of missense changes on protein structure and function are either unavailable or do not agree on the potential impact of this missense change (SIFT: "Deleterious"; PolyPhen-2: "Probably Damaging"; Align-GVGD: "Class C0"). This variant has not been reported in the literature in individuals with GBA2-related disease. This variant is present in population databases (rs762754270, ExAC 0.002%). This sequence change replaces valine with methionine at codon 275 of the GBA2 protein (p.Val275Met). The valine residue is highly conserved and there is a small physicochemical difference between valine and methionine.

NM_020944.3(GBA2):c.823G>A (p.Val275Met)

Gene: GBA2 (glucosylceramidase beta 2; minus strand). Cytogenetic location: 9p13.3.
Variant type: single nucleotide variant.
Coding change: c.823G>A on transcript NM_020944.3 (MANE Select); coding-DNA position 823, G replaced by A.
Protein change: p.Val275Met; replaces valine 275 with methionine.
Molecular consequence: missense variant.
Genome position (GRCh38, 1-based): chr9:35,741,028, C>T on the plus strand (G>A on the coding strand, the complement: GBA2 is on the minus strand). VCF-style: chr9-35741028-C-T. GRCh37 (hg19) VCF-style: chr9-35741025-C-T.
Other names: c.823G>A, p.Val275Met (NM_001330660.2); short protein forms V275M.
Identifiers: ClinVar variation 647869 (VCV000647869.8), dbSNP rs762754270, ClinGen allele CA5050599.